The following is an entry in ClinVar:

NM_006214.4(PHYH):c.244C>T (p.Arg82Trp)

Gene: PHYH (phytanoyl-CoA 2-hydroxylase; minus strand). Cytogenetic location: 10p13.
Variant type: single nucleotide variant.
Coding change: c.244C>T on transcript NM_006214.4 (MANE Select); coding-DNA position 244, C replaced by T.
Protein change: p.Arg82Trp; replaces arginine 82 with tryptophan.
Molecular consequence: missense variant. On other transcripts: 5 prime UTR variant (3).
Genome position (GRCh38, 1-based): chr10:13,295,497, G>A on the plus strand (C>T on the coding strand, the complement: PHYH is on the minus strand). VCF-style: chr10-13295497-G-A. GRCh37 (hg19) VCF-style: chr10-13337497-G-A.
Other names: c.-57C>T (NM_001037537.2, NM_001323080.2, NM_001323084.2); c.244C>T, p.Arg82Trp (NM_001323082.2, NM_001323083.2); short protein forms R82W.
Identifiers: ClinVar variation 957765 (VCV000957765.7), dbSNP rs145404396, ClinGen allele CA5412448.
Genomic context (GRCh38, chr10:13,295,497, plus strand): 5'-ATTCTCATTACATGCACACAATACATACTATTGTAAAATAACAAATAGTGTTACTGTACC[G>A]AAAGCGTTGAATATCGGCATCAGGTACAAGATTTTTGATTACTAGAAACCCATTTTCTTC-3'
Protein context (NP_006205.1, residues 72-92): LVPDADIQRF[Arg82Trp]NEFEKICRKE

ClinVar aggregate classification (germline): Uncertain significance. Review status: criteria provided, multiple submitters, no conflicts (2 of 4 stars). 3 submissions from 3 submitters: Uncertain significance (3). Last evaluated 2023-02-07.

Conditions:
Refsum disease, classic. Also called: PHYH-Related Refsum Disease; HEREDOPATHIA ATACTICA POLYNEURITIFORMIS; HMSN IV; PHYTANIC ACID OXIDASE DEFICIENCY. Identifiers: Orphanet 773, MedGen C5780941, MONDO:1060256, OMIM 266500. Disease mechanism: loss of function.

Allele frequency attached by ClinVar (database versions not stated): TOPMed 0.00005.
gnomAD v4.1: 34 of 1,429,418 alleles (0.0024%); highest among the groups gnomAD compares: South Asian, 0.0046%; no homozygotes.

Submissions (3):

Blueprint Genetics
Classification: Uncertain significance. Last evaluated: 2023-02-07. Review status: criteria provided, single submitter. Criteria: ACMG Guidelines, 2015. Collection method: clinical testing. Allele origin: germline.

Labcorp Genetics (formerly Invitae), Labcorp
Classification: Uncertain significance. Last evaluated: 2022-03-27. Review status: criteria provided, single submitter. Criteria: Invitae Variant Classification Sherloc (09022015). Collection method: clinical testing. Allele origin: germline.
Comment: This sequence change replaces arginine, which is basic and polar, with tryptophan, which is neutral and slightly polar, at codon 82 of the PHYH protein (p.Arg82Trp). This variant is present in population databases (rs145404396, gnomAD 0.02%). This variant has not been reported in the literature in individuals affected with PHYH-related conditions. ClinVar contains an entry for this variant (Variation ID: 957765). Algorithms developed to predict the effect of missense changes on protein structure and function are either unavailable or do not agree on the potential impact of this missense change (SIFT: "Deleterious"; PolyPhen-2: "Possibly Damaging"; Align-GVGD: "Class C0"). Algorithms developed to predict the effect of sequence changes on RNA splicing suggest that this variant may disrupt the consensus splice site. In summary, the available evidence is currently insufficient to determine the role of this variant in disease. Therefore, it has been classified as a Variant of Uncertain Significance.

Fulgent Genetics
Classification: Uncertain significance for Refsum disease, classic. Last evaluated: 2021-10-31. Review status: criteria provided, single submitter. Criteria: ACMG Guidelines, 2015. Collection method: clinical testing. Allele origin: unknown.